The following is an entry in ClinVar:

ClinVar aggregate classification (germline): Uncertain significance. Review status: criteria provided, multiple submitters, no conflicts (2 of 4 stars). 3 submissions from 3 submitters: Uncertain significance (3). Last evaluated 2023-08-28.

Conditions:
Inborn genetic diseases. Identifiers: MedGen C0950123, MeSH D030342.
Cortical dysplasia-focal epilepsy syndrome (PTHSL1). Also called: Pitt-Hopkins-like syndrome 1. Identifiers: Orphanet 163681, Orphanet 221150, MedGen C2750246, MONDO:0012400, OMIM 610042.

gnomAD v4.1: 2 of 1,613,762 alleles (0.00012%); highest among the groups gnomAD compares: Non-Finnish European, 0.00017%; no homozygotes.

Submissions (3):

Ambry Genetics
Classification: Uncertain significance for Inborn genetic diseases. Last evaluated: 2023-08-28. Review status: criteria provided, single submitter. Criteria: Ambry Variant Classification Scheme 2023. Collection method: clinical testing. Allele origin: germline.

GeneDx
Classification: Uncertain significance. Last evaluated: 2021-06-28. Review status: criteria provided, single submitter. Criteria: GeneDx Variant Classification Process June 2021. Collection method: clinical testing. Allele origin: germline. Affected: yes.
Comment: Not observed at significant frequency in large population cohorts (Lek et al., 2016); In silico analysis supports that this missense variant does not alter protein structure/function; Has not been previously published as pathogenic or benign to our knowledge; This variant is associated with the following publications: (PMID: 27535533)

Labcorp Genetics (formerly Invitae), Labcorp
Classification: Uncertain significance for Cortical dysplasia-focal epilepsy syndrome. Last evaluated: 2019-03-11. Review status: criteria provided, single submitter. Criteria: Invitae Variant Classification Sherloc (09022015). Collection method: clinical testing. Allele origin: germline.
Comment: This sequence change replaces valine with isoleucine at codon 376 of the CNTNAP2 protein (p.Val376Ile). The valine residue is weakly conserved and there is a small physicochemical difference between valine and isoleucine. This variant is not present in population databases (ExAC no frequency). This variant has not been reported in the literature in individuals with CNTNAP2-related conditions. Algorithms developed to predict the effect of missense changes on protein structure and function are either unavailable or do not agree on the potential impact of this missense change (SIFT: "Deleterious"; PolyPhen-2: "Benign"; Align-GVGD: "Class C0"). In summary, the available evidence is currently insufficient to determine the role of this variant in disease. Therefore, it has been classified as a Variant of Uncertain Significance.

NM_014141.6(CNTNAP2):c.1126G>A (p.Val376Ile)

Gene: CNTNAP2 (contactin associated protein 2; plus strand). Cytogenetic location: 7q35.
Variant type: single nucleotide variant.
Coding change: c.1126G>A on transcript NM_014141.6 (MANE Select); coding-DNA position 1126, G replaced by A.
Protein change: p.Val376Ile; replaces valine 376 with isoleucine.
Molecular consequence: missense variant.
Genome position (GRCh38, 1-based): chr7:147,132,287, G>A. VCF-style: chr7-147132287-G-A. GRCh37 (hg19) VCF-style: chr7-146829379-G-A.
Other names: short protein forms V376I.
Identifiers: ClinVar variation 834334 (VCV000834334.5), dbSNP rs1801390957, ClinGen allele CA369924536.
Genomic context (GRCh38, chr7:147,132,287, plus strand): 5'-TGTCTTTCTATTTTACAGGGAAATTTGAGCTTTTCTTGTGTGGAACCCTATACGGTGCCT[G>A]TCTTTTTCAACGCTACAAGTTACCTGGAGGTGCCCGGACGGCTTAACCAGGACCTGTTCT-3'
Protein context (NP_054860.1, residues 366-386): FSCVEPYTVP[Val376Ile]FFNATSYLEV